The following is an entry in ClinVar:

NM_017654.4(SAMD9):c.578C>G (p.Pro193Arg)

Gene: SAMD9 (sterile alpha motif domain containing 9; minus strand). Cytogenetic location: 7q21.2.
Variant type: single nucleotide variant.
Coding change: c.578C>G on transcript NM_017654.4 (MANE Select); coding-DNA position 578, C replaced by G.
Protein change: p.Pro193Arg; replaces proline 193 with arginine.
Molecular consequence: missense variant.
Genome position (GRCh38, 1-based): chr7:93,105,520, G>C on the plus strand (C>G on the coding strand, the complement: SAMD9 is on the minus strand). VCF-style: chr7-93105520-G-C. GRCh37 (hg19) VCF-style: chr7-92734833-G-C.
Other names: c.578C>G, p.Pro193Arg (NM_001193307.2); short protein forms P193R.
Identifiers: ClinVar variation 3949505 (VCV003949505.1).

ClinVar aggregate classification (germline): Uncertain significance (1 of 4 stars; one submission).

Conditions:
Inborn genetic diseases. Identifiers: MedGen C0950123, MeSH D030342.

Submission:

Ambry Genetics
Classification: Uncertain significance for Inborn genetic diseases. Last evaluated: 2025-04-03. Review status: criteria provided, single submitter. Criteria: Ambry Variant Classification Scheme 2023. Collection method: clinical testing. Allele origin: germline.
Comment: The p.P193R variant (also known as c.578C>G), located in coding exon 1 of the SAMD9 gene, results from a C to G substitution at nucleotide position 578. The proline at codon 193 is replaced by arginine, an amino acid with dissimilar properties. This amino acid position is conserved. In addition, the in silico prediction for this alteration is inconclusive. Based on the available evidence, the clinical significance of this variant remains unclear.